The following is an entry in ClinVar:

NM_005751.5(AKAP9):c.880T>C (p.Phe294Leu)

Gene: AKAP9 (A-kinase anchoring protein 9; plus strand). Cytogenetic location: 7q21.2.
Variant type: single nucleotide variant.
Coding change: c.880T>C on transcript NM_005751.5 (MANE Select); coding-DNA position 880, T replaced by C.
Protein change: p.Phe294Leu; replaces phenylalanine 294 with leucine.
Molecular consequence: missense variant.
Genome position (GRCh38, 1-based): chr7:91,995,750, T>C. VCF-style: chr7-91995750-T-C. GRCh37 (hg19) VCF-style: chr7-91625064-T-C.
Other names: c.880T>C, p.Phe294Leu (NM_147185.3); short protein forms F294L.
Identifiers: ClinVar variation 3281869 (VCV003281869.1).

ClinVar aggregate classification (germline): Uncertain significance (1 of 4 stars; one submission).

Conditions:
Cardiovascular phenotype. Identifiers: MedGen CN230736.

gnomAD v4.1: 9 of 1,612,896 alleles (0.00056%); highest among the groups gnomAD compares: Admixed American, 0.01%; no homozygotes.

Submission:

Ambry Genetics
Classification: Uncertain significance for Cardiovascular phenotype. Last evaluated: 2024-04-16. Review status: criteria provided, single submitter. Criteria: Ambry Variant Classification Scheme 2023. Collection method: clinical testing. Allele origin: germline.
Comment: The p.F294L variant (also known as c.880T>C), located in coding exon 7 of the AKAP9 gene, results from a T to C substitution at nucleotide position 880. The phenylalanine at codon 294 is replaced by leucine, an amino acid with highly similar properties. This amino acid position is conserved. In addition, this alteration is predicted to be tolerated by in silico analysis. Based on the available evidence, the clinical significance of this variant remains unclear.